The following is an entry in ClinVar:

ClinVar aggregate classification (germline): Conflicting classifications of pathogenicity. Review status: criteria provided, conflicting classifications (1 of 4 stars). 2 submissions from 2 submitters: Likely pathogenic (1); Uncertain significance (1). Last evaluated 2022-08-07.

Conditions:
Cognitive impairment with or without cerebellar ataxia (CIAT). Identifiers: MedGen C3280415, MONDO:0013680, OMIM 614306.
Inborn genetic diseases. Identifiers: MedGen C0950123, MeSH D030342.

Submissions (2):

Equipe Genetique des Anomalies du Developpement, Université de Bourgogne
Classification: Likely pathogenic for Cognitive impairment with or without cerebellar ataxia. Last evaluated: 2022-08-07. Review status: criteria provided, single submitter. Criteria: ACMG Guidelines, 2015. Collection method: clinical testing. Allele origin: unknown. Inheritance: Autosomal dominant inheritance. Affected: yes.

Ambry Genetics
Classification: Uncertain significance for Inborn genetic diseases. Last evaluated: 2021-04-14. Review status: criteria provided, single submitter. Criteria: Ambry Variant Classification Scheme 2023. Collection method: clinical testing. Allele origin: germline.
Comment: The c.4090C>T (p.R1364*) alteration, located in exon 22 (coding exon 21) of the SCN8A gene, consists of a C to T substitution at nucleotide position 4090. This changes the amino acid from a arginine (R) to a stop codon at amino acid position 1364. This alteration is expected to result in loss of function by premature protein truncation or nonsense-mediated mRNA decay. Based on insufficient or conflicting evidence, the clinical significance of this alteration remains unclear.

NM_001330260.2(SCN8A):c.4090C>T (p.Arg1364Ter)

Gene: SCN8A (sodium voltage-gated channel alpha subunit 8; plus strand). Cytogenetic location: 12q13.13.
Variant type: single nucleotide variant.
Coding change: c.4090C>T on transcript NM_001330260.2 (MANE Select); coding-DNA position 4090, C replaced by T.
Protein change: p.Arg1364Ter; replaces arginine 1364 with a stop codon.
Molecular consequence: nonsense.
Genome position (GRCh38, 1-based): chr12:51,786,689, C>T. VCF-style: chr12-51786689-C-T. GRCh37 (hg19) VCF-style: chr12-52180473-C-T.
Other names: c.3967C>T, p.Arg1323Ter (NM_001177984.3, NM_001369788.1); c.4090C>T, p.Arg1364Ter (NM_014191.4); short protein forms R1323*, R1364*.
Identifiers: ClinVar variation 2230679 (VCV002230679.3), dbSNP rs1555228350, ClinGen allele CA384905561.